The following is an entry in ClinVar:

NM_001007228.2(SPOP):c.51C>T (p.Pro17=)

Gene: SPOP (speckle type BTB/POZ protein; minus strand). Cytogenetic location: 17q21.33.
Variant type: single nucleotide variant.
Coding change: c.51C>T on transcript NM_001007228.2 (MANE Select); coding-DNA position 51, C replaced by T.
Protein change: p.Pro17=; no amino-acid change (proline 17 retained).
Molecular consequence: synonymous variant.
Genome position (GRCh38, 1-based): chr17:49,622,760, G>A on the plus strand (C>T on the coding strand, the complement: SPOP is on the minus strand). VCF-style: chr17-49622760-G-A. GRCh37 (hg19) VCF-style: chr17-47700122-G-A.
Other names: c.51C>T, p.Pro17= (NM_001007226.1, NM_001007227.1, NM_001007229.1 and 5 more transcripts).
Identifiers: ClinVar variation 3250674 (VCV003250674.18), dbSNP rs528362520.

ClinVar aggregate classification (germline): Likely benign (1 of 4 stars; one submission).

Allele frequency attached by ClinVar (database versions not stated): gnomAD 0.00001; TOPMed 0.00001; 1000 Genomes Project 30x 0.00016; 1000 Genomes Project 0.00020.
gnomAD v4.1: 21 of 1,614,126 alleles (0.0013%); highest among the groups gnomAD compares: South Asian, 0.0022%; no homozygotes.

Submission:

CeGaT Center for Human Genetics Tuebingen
Classification: Likely benign. Last evaluated: 2024-06-01. Review status: criteria provided, single submitter. Criteria: CeGaT Center For Human Genetics Tuebingen Variant Classification Criteria Version 2. Collection method: clinical testing. Allele origin: germline. Affected: yes. Observed: 2 variant alleles.
Comment: SPOP: BP4, BP7